The following is an entry in ClinVar:

NM_003620.4(PPM1D):c.257C>T (p.Pro86Leu)

Gene: PPM1D (protein phosphatase, Mg2+/Mn2+ dependent 1D; plus strand). Cytogenetic location: 17q23.2.
Variant type: single nucleotide variant.
Coding change: c.257C>T on transcript NM_003620.4 (MANE Select); coding-DNA position 257, C replaced by T.
Protein change: p.Pro86Leu; replaces proline 86 with leucine.
Molecular consequence: missense variant.
Genome position (GRCh38, 1-based): chr17:60,600,671, C>T. VCF-style: chr17-60600671-C-T. GRCh37 (hg19) VCF-style: chr17-58678032-C-T.
Other names: short protein forms P86L.
Identifiers: ClinVar variation 2150960 (VCV002150960.4), dbSNP rs201612900, ClinGen allele CA8687549.
Genomic context (GRCh38, chr17:60,600,671, plus strand): 5'-AAGGCCCAGCGGTGGCAGCCCGAGAGGCTCGCGACCCTCTCCCGGACGCCGGGGCCTCGC[C>T]GGCACCTAGCCGCTGCTGCCGCCGCCGTTCCTCCGTGGCCTTTTTCGCCGTGTGCGACGG-3'
Protein context (NP_003611.1, residues 76-96): RDPLPDAGAS[Pro86Leu]APSRCCRRRS

ClinVar aggregate classification (germline): Uncertain significance (1 of 4 stars; one submission).

Allele frequency attached by ClinVar (database versions not stated): 1000 Genomes Project 30x 0.00031.
gnomAD v4.1: 14 of 1,563,782 alleles (0.0009%); highest among the groups gnomAD compares: East Asian, 0.029%; no homozygotes.

Submission:

Labcorp Genetics (formerly Invitae), Labcorp
Classification: Uncertain significance. Last evaluated: 2022-03-25. Review status: criteria provided, single submitter. Criteria: Invitae Variant Classification Sherloc (09022015). Collection method: clinical testing. Allele origin: germline.
Comment: Algorithms developed to predict the effect of missense changes on protein structure and function output the following: SIFT: "Tolerated"; PolyPhen-2: "Benign"; Align-GVGD: "Class C0". The leucine amino acid residue is found in multiple mammalian species, which suggests that this missense change does not adversely affect protein function. In summary, the available evidence is currently insufficient to determine the role of this variant in disease. Therefore, it has been classified as a Variant of Uncertain Significance. This variant has not been reported in the literature in individuals affected with PPM1D-related conditions. This variant is present in population databases (rs201612900, gnomAD 0.07%). This sequence change replaces proline, which is neutral and non-polar, with leucine, which is neutral and non-polar, at codon 86 of the PPM1D protein (p.Pro86Leu).